The following is an entry in ClinVar:

NM_002109.6(HARS1):c.363C>T (p.Gly121=)

Gene: HARS1 (histidyl-tRNA synthetase 1; minus strand). Cytogenetic location: 5q31.3.
Variant type: single nucleotide variant.
Coding change: c.363C>T on transcript NM_002109.6 (MANE Select); coding-DNA position 363, C replaced by T.
Protein change: p.Gly121=; no amino-acid change (glycine 121 retained).
Molecular consequence: synonymous variant. On other transcripts: intron variant (2).
Genome position (GRCh38, 1-based): chr5:140,679,821, G>A on the plus strand (C>T on the coding strand, the complement: HARS1 is on the minus strand). VCF-style: chr5-140679821-G-A. GRCh37 (hg19) VCF-style: chr5-140059406-G-A.
Other names: c.243C>T, p.Gly81= (NM_001258040.3, NM_001258042.3); c.363C>T, p.Gly121= (NM_001258041.3); c.276C>T, p.Gly92= (NM_001289094.2); c.181-1806C>T (NM_001289093.2); c.301-1806C>T (NM_001289092.2).
Identifiers: ClinVar variation 1045618 (VCV001045618.8), dbSNP rs372293095, ClinGen allele CA128378023.
Genomic context (GRCh38, chr5:140,679,821, plus strand): 5'-CTCAAGAGCCCAAGTTTAGAAAGATACAGTGAGGTCATAGCGAAGGGACAGGAGCTCCCC[G>A]CCCTGGTCCTTCAGGTCATAGATAAGCTTGGAGTCTTCCCCATACTTTCCCATCAGTGTT-3'
Protein context (NP_002100.2, residues 111-131): SKLIYDLKDQ[Gly121=]GELLSLRYDL

ClinVar aggregate classification (germline): Uncertain significance (1 of 4 stars; one submission).

Conditions:
Usher syndrome type 3B. Also called: USHER SYNDROME, TYPE IIIB. Identifiers: MedGen C3281066, MONDO:0013788, OMIM 614504.

Allele frequency attached by ClinVar (database versions not stated): gnomAD exomes below 0.00001 and 0.00001.

Submission:

Labcorp Genetics (formerly Invitae), Labcorp
Classification: Uncertain significance for Usher syndrome type 3B. Last evaluated: 2022-08-23. Review status: criteria provided, single submitter. Criteria: Invitae Variant Classification Sherloc (09022015). Collection method: clinical testing. Allele origin: germline.
Comment: In summary, the available evidence is currently insufficient to determine the role of this variant in disease. Therefore, it has been classified as a Variant of Uncertain Significance. Algorithms developed to predict the effect of sequence changes on RNA splicing suggest that this variant may create or strengthen a splice site. ClinVar contains an entry for this variant (Variation ID: 1045618). This variant has not been reported in the literature in individuals affected with HARS-related conditions. The frequency data for this variant in the population databases is considered unreliable, as metrics indicate poor data quality at this position in the gnomAD database. This sequence change affects codon 121 of the HARS mRNA. It is a 'silent' change, meaning that it does not change the encoded amino acid sequence of the HARS protein.